The following is an entry in ClinVar:

NM_015295.3(SMCHD1):c.5782A>G (p.Ser1928Gly)

Gene: SMCHD1 (structural maintenance of chromosomes flexible hinge domain containing 1; plus strand). Cytogenetic location: 18p11.32.
Variant type: single nucleotide variant.
Coding change: c.5782A>G on transcript NM_015295.3 (MANE Select); coding-DNA position 5782, A replaced by G.
Protein change: p.Ser1928Gly; replaces serine 1928 with glycine.
Molecular consequence: missense variant.
Genome position (GRCh38, 1-based): chr18:2,796,011, A>G. VCF-style: chr18-2796011-A-G. GRCh37 (hg19) VCF-style: chr18-2796009-A-G.
Other names: short protein forms S1928G.
Identifiers: ClinVar variation 956763 (VCV000956763.10), dbSNP rs1170346716, ClinGen allele CA401690768.

ClinVar aggregate classification (germline): Uncertain significance. Review status: criteria provided, multiple submitters, no conflicts (2 of 4 stars). 2 submissions from 2 submitters: Uncertain significance (2). Last evaluated 2026-09-01.

Conditions:
Facioscapulohumeral muscular dystrophy 2 (FSHD2). Also called: MUSCULAR DYSTROPHY, FACIOSCAPULOHUMERAL, TYPE 1B; FACIOSCAPULOHUMERAL MUSCULAR DYSTROPHY 2, DIGENIC; FSHD2, DIGENIC. Identifiers: Orphanet 269, MedGen C1834671, MONDO:0008031, OMIM 158901.

Allele frequency attached by ClinVar (database versions not stated): gnomAD exomes below 0.00001; TOPMed below 0.00001.
gnomAD v4.1: 2 of 1,596,384 alleles (0.00013%); highest among the groups gnomAD compares: Non-Finnish European, 0.000085%; no homozygotes.

Submissions (2):

CeGaT Center for Human Genetics Tuebingen
Classification: Uncertain significance. Last evaluated: 2026-09-01. Review status: criteria provided, single submitter. Criteria: CeGaT Center For Human Genetics Tuebingen Variant Classification Criteria Version 2. Collection method: clinical testing. Allele origin: germline. Affected: yes. Observed: 1 variant allele.
Comment: SMCHD1: PM2, BP4

Labcorp Genetics (formerly Invitae), Labcorp
Classification: Uncertain significance for Facioscapulohumeral muscular dystrophy 2. Last evaluated: 2022-10-17. Review status: criteria provided, single submitter. Criteria: Invitae Variant Classification Sherloc (09022015). Collection method: clinical testing. Allele origin: germline.
Comment: In summary, the available evidence is currently insufficient to determine the role of this variant in disease. Therefore, it has been classified as a Variant of Uncertain Significance. Advanced modeling of protein sequence and biophysical properties (such as structural, functional, and spatial information, amino acid conservation, physicochemical variation, residue mobility, and thermodynamic stability) performed at Invitae indicates that this missense variant is not expected to disrupt SMCHD1 protein function. ClinVar contains an entry for this variant (Variation ID: 956763). This variant has not been reported in the literature in individuals affected with SMCHD1-related conditions. The frequency data for this variant in the population databases is considered unreliable, as metrics indicate poor data quality at this position in the gnomAD database. This sequence change replaces serine, which is neutral and polar, with glycine, which is neutral and non-polar, at codon 1928 of the SMCHD1 protein (p.Ser1928Gly).